The following is an entry in ClinVar:

ClinVar aggregate classification (germline): Uncertain significance (1 of 4 stars; one submission).

Submission:

GeneDx
Classification: Uncertain significance. Last evaluated: 2019-11-04. Review status: criteria provided, single submitter. Criteria: GeneDx Variant Classification Process June 2021. Collection method: clinical testing. Allele origin: germline. Affected: yes.
Comment: Not observed in large population cohorts (Lek et al., 2016); In silico analysis, which includes protein predictors and evolutionary conservation, supports that this variant does not alter protein structure/function; Has not been previously published as pathogenic or benign to our knowledge

NM_007118.4(TRIO):c.5632C>T (p.His1878Tyr)

Gene: TRIO (trio Rho guanine nucleotide exchange factor; plus strand). Cytogenetic location: 5p15.2.
Variant type: single nucleotide variant.
Coding change: c.5632C>T on transcript NM_007118.4 (MANE Select); coding-DNA position 5632, C replaced by T.
Protein change: p.His1878Tyr; replaces histidine 1878 with tyrosine.
Molecular consequence: missense variant. On other transcripts: non-coding transcript variant (1).
Genome position (GRCh38, 1-based): chr5:14,462,890, C>T. VCF-style: chr5-14462890-C-T. GRCh37 (hg19) VCF-style: chr5-14462999-C-T.
Other names: short protein forms H1878Y.
Identifiers: ClinVar variation 1309943 (VCV001309943.2), dbSNP rs2126507617, ClinGen allele CA359231154.
Genomic context (GRCh38, chr5:14,462,890, plus strand): 5'-GAGGAAGGCGAGGAGGGGGCCGACGCCGTGCCCCTGCCGCCACCCATGGCCATCCAGCAG[C>T]ACAGCCTCCTCCAGCCAGACTCACAGGATGACAAGGTAAAGGGGGATGAGGGCTGGGGAA-3'
Protein context (NP_009049.2, residues 1868-1888): PLPPPMAIQQ[His1878Tyr]SLLQPDSQDD